The following is an entry in ClinVar:

NM_007294.4(BRCA1):c.2126_2130delinsAG (p.Phe709_Thr710delinsTer)

Gene: BRCA1 (BRCA1 DNA repair associated; minus strand). Cytogenetic location: 17q21.31.
Variant type: Indel.
Coding change: c.2126_2130delinsAG on transcript NM_007294.4 (MANE Select); coding-DNA positions 2126 to 2130, TTACT replaced by AG.
Protein change: p.Phe709_Thr710delinsTer.
Molecular consequence: nonsense. On other transcripts: intron variant (137).
Genome position (GRCh38, 1-based): chr17:43,093,401-43,093,405, AGTAA replaced by CT on the plus strand (TTACT replaced by AG on the coding strand, the reverse complement: BRCA1 is on the minus strand). VCF-style: chr17-43093401-AGTAA-CT. GRCh37 (hg19) VCF-style: chr17-41245418-AGTAA-CT.
Other names: c.1913_1917delinsAG, p.Phe638_Thr639delinsTer (NM_001407571.1, NM_001407853.1, NM_001407894.1 and 9 more transcripts); c.2126_2130delinsAG, p.Phe709_Thr710delinsTer (NM_001407581.1, NM_001407582.1, NM_001407583.1 and 30 more transcripts); c.2123_2127delinsAG, p.Phe708_Thr709delinsTer (NM_001407587.1, NM_001407590.1, NM_001407591.1 and 22 more transcripts); c.2117_2121delinsAG, p.Phe706_Thr707delinsTer (NM_001407646.1, NM_001407647.1); c.2003_2007delinsAG, p.Phe668_Thr669delinsTer (NM_001407648.1, NM_001407664.1, NM_001407665.1 and 19 more transcripts); c.2000_2004delinsAG, p.Phe667_Thr668delinsTer (NM_001407649.1, NM_001407670.1, NM_001407671.1 and 11 more transcripts); c.2048_2052delinsAG, p.Phe683_Thr684delinsTer (NM_001407653.1, NM_001407654.1, NM_001407655.1 and 4 more transcripts); c.2045_2049delinsAG, p.Phe682_Thr683delinsTer (NM_001407659.1, NM_001407660.1, NM_001407661.1 and 1 more transcripts); and 41 more.
Identifiers: ClinVar variation 4851364 (VCV004851364.1).
Genomic context (GRCh38, chr17:43,093,401, plus strand): 5'-TTCTTCTCTTGGAAGGCTAGGATTGACAAATTCTTTAAGTTCACTGGTATTTGAACACTT[AGTAA>CT]AAGAACCAGGTGCATTTGTTAACTTCAGCTCTGGGAAAGTATCGCTGTCATGTCTTTTAC-3'

ClinVar aggregate classification (germline): Pathogenic (1 of 4 stars; one submission).

Conditions:
Inherited breast cancer and ovarian cancer.

Submission:

Genetics Laboratory, Great Ormond Street Hospital NHS Foundation Trust, North Thames Genomic Laboratory Hub
Classification: Pathogenic for Inherited breast cancer and ovarian cancer. Last evaluated: 2026-03-24. Review status: criteria provided, single submitter. Criteria: CanVIG BRCA Gene Specific V1.22. Collection method: clinical testing. Allele origin: germline. Affected: yes.
Comment: PM2_moderate, PVS1_very-strong, PM5_strong